The following is an entry in ClinVar:

ClinVar aggregate classification (germline): Benign. Review status: criteria provided, multiple submitters, no conflicts (2 of 4 stars). 2 submissions from 2 submitters: Benign (2). Last evaluated 2018-06-14.

Allele frequency attached by ClinVar (database versions not stated): gnomAD exomes 0.07809; ExAC 0.08095; gnomAD 0.12312 and 0.12565; TOPMed 0.12811; ESP Exome Variant Server 0.13163; 1000 Genomes Project 0.14137; 1000 Genomes Project 30x 0.14413.
gnomAD v4.1: 116,767 of 1,581,422 alleles (7.4%); highest among the groups gnomAD compares: African/African-American, 27%; 6,144 homozygotes.

Submissions (2):

GeneDx
Classification: Benign. Last evaluated: 2018-06-14. Review status: criteria provided, single submitter. Criteria: GeneDx Variant Classification (06012015). Collection method: clinical testing. Allele origin: germline. Affected: yes.
Comment: This variant is considered likely benign or benign based on one or more of the following criteria: it is a conservative change, it occurs at a poorly conserved position in the protein, it is predicted to be benign by multiple in silico algorithms, and/or has population frequency not consistent with disease.

Breakthrough Genomics
Classification: Benign. Review status: criteria provided, single submitter. Criteria: ACMG Guidelines, 2015. Collection method: not provided. Allele origin: germline. Inheritance: Autosomal recessive inheritance. Affected: yes.

NM_006420.3(ARFGEF2):c.5182-35T>C

Gene: ARFGEF2 (ARF guanine nucleotide exchange factor 2; plus strand). Cytogenetic location: 20q13.13.
Variant type: single nucleotide variant.
Coding change: c.5182-35T>C on transcript NM_006420.3 (MANE Select); 35 bases into the intron before coding-DNA position 5182, T replaced by C.
Molecular consequence: intron variant.
Genome position (GRCh38, 1-based): chr20:49,032,988, T>C. VCF-style: chr20-49032988-T-C. GRCh37 (hg19) VCF-style: chr20-47649525-T-C.
Identifiers: ClinVar variation 674609 (VCV000674609.2), dbSNP rs7263488, ClinGen allele CA9899425.